The following is an entry in ClinVar:

NM_052867.4(NALCN):c.5137G>A (p.Gly1713Ser)

Genes: NALCN (sodium leak channel, non-selective; minus strand), NALCN-AS1 (NALCN antisense RNA 1; plus strand). Cytogenetic location: 13q32.3.
Variant type: single nucleotide variant.
Coding change: c.5137G>A on transcript NM_052867.4 (MANE Select); coding-DNA position 5137, G replaced by A.
Protein change: p.Gly1713Ser; replaces glycine 1713 with serine.
Molecular consequence: missense variant. On other transcripts: non-coding transcript variant (1).
Genome position (GRCh38, 1-based): chr13:101,055,375, C>T on the plus strand (G>A on the coding strand, the complement: NALCN is on the minus strand). VCF-style: chr13-101055375-C-T. GRCh37 (hg19) VCF-style: chr13-101707727-C-T.
Other names: c.5224G>A, p.Gly1742Ser (NM_001350748.2); c.5137G>A, p.Gly1713Ser (NM_001350749.2); c.5050G>A, p.Gly1684Ser (NM_001350750.2, NM_001350751.2); short protein forms G1684S, G1713S, G1742S.
Identifiers: ClinVar variation 3339939 (VCV003339939.1).

ClinVar aggregate classification (germline): Uncertain significance (1 of 4 stars; one submission).

gnomAD v4.1: 13 of 1,614,002 alleles (0.00081%); highest among the groups gnomAD compares: South Asian, 0.0044%; no homozygotes.

Submission:

Women's Health and Genetics/Laboratory Corporation of America, LabCorp
Classification: Uncertain significance. Last evaluated: 2024-06-20. Review status: criteria provided, single submitter. Criteria: LabCorp Variant Classification Summary - May 2015. Collection method: clinical testing. Allele origin: germline.
Comment: Variant summary: NALCN c.5137G>A (p.Gly1713Ser) results in a non-conservative amino acid change in the encoded protein sequence. Three of five in-silico tools predict a damaging effect of the variant on protein function. The variant allele was found at a frequency of 4e-06 in 251418 control chromosomes (gnomAD). The available data on variant occurrences in the general population are insufficient to allow any conclusion about variant significance. To our knowledge, no occurrence of c.5137G>A in individuals affected with Congenital Contractures Of The Limbs And Face, Hypotonia, And Developmental Delay and no experimental evidence demonstrating its impact on protein function have been reported. No submitters have cited clinical-significance assessments for this variant to ClinVar. Based on the evidence outlined above, the variant was classified as uncertain significance.